The following is an entry in ClinVar:

ClinVar aggregate classification (germline): Uncertain significance (1 of 4 stars; one submission).

Allele frequency attached by ClinVar (database versions not stated): gnomAD exomes below 0.00001.
gnomAD v4.1: 1 of 1,200,467 alleles (0.000083%); highest among the groups gnomAD compares: Admixed American, 0.0022%; no homozygotes.

Submission:

Greenwood Genetic Center Diagnostic Laboratories, Greenwood Genetic Center
Classification: Uncertain significance. Last evaluated: 2022-10-17. Review status: criteria provided, single submitter. Criteria: ACMG Guidelines, 2015. Collection method: clinical testing. Allele origin: germline. Affected: yes.
Comment: PM2

NM_018196.4(TMLHE):c.693C>T (p.Asp231=)

Gene: TMLHE (trimethyllysine hydroxylase, epsilon; minus strand). Cytogenetic location: Xq28.
Variant type: single nucleotide variant.
Coding change: c.693C>T on transcript NM_018196.4 (MANE Select); coding-DNA position 693, C replaced by T.
Protein change: p.Asp231=; no amino-acid change (aspartic acid 231 retained).
Molecular consequence: synonymous variant.
Genome position (GRCh38, 1-based): chrX:155,511,738, G>A on the plus strand (C>T on the coding strand, the complement: TMLHE is on the minus strand). VCF-style: chrX-155511738-G-A. GRCh37 (hg19) VCF-style: chrX-154741399-G-A.
Other names: c.693C>T, p.Asp231= (NM_001184797.2).
Identifiers: ClinVar variation 2429077 (VCV002429077.4), dbSNP rs2520805728, ClinGen allele CA519425154.